The following is an entry in ClinVar:

NM_000784.4(CYP27A1):c.1567G>A (p.Gly523Ser)

Gene: CYP27A1 (cytochrome P450 family 27 subfamily A member 1; plus strand). Cytogenetic location: 2q35.
Variant type: single nucleotide variant.
Coding change: c.1567G>A on transcript NM_000784.4 (MANE Select); coding-DNA position 1567, G replaced by A.
Protein change: p.Gly523Ser; replaces glycine 523 with serine.
Molecular consequence: missense variant.
Genome position (GRCh38, 1-based): chr2:218,815,001, G>A. VCF-style: chr2-218815001-G-A. GRCh37 (hg19) VCF-style: chr2-219679724-G-A.
Other names: short protein forms G523S.
Identifiers: ClinVar variation 1775400 (VCV001775400.2), dbSNP rs1943774607, ClinGen allele CA350596734.
Genomic context (GRCh38, chr2:218,815,001, plus strand): 5'-CCGGAGACGGGGGAGTTGAAGAGTGTGGCCCGCATTGTCCTGGTTCCCAATAAGAAAGTG[G>A]GCCTGCAGTTCCTGCAGAGACAGTGCTGAGCTGAGTCTCCGCCTTGCTGGGGCTTGTCCT-3'
Protein context (NP_000775.1, residues 513-531): RIVLVPNKKV[Gly523Ser]LQFLQRQC

ClinVar aggregate classification (germline): Uncertain significance (1 of 4 stars; one submission).

Conditions:
Cardiovascular phenotype. Identifiers: MedGen CN230736.

Allele frequency attached by ClinVar (database versions not stated): gnomAD exomes below 0.00001; TOPMed 0.00001.
gnomAD v4.1: 1 of 1,614,172 alleles (0.000062%); highest among the groups gnomAD compares: African/African-American, 0.0013%; no homozygotes.

Submission:

Ambry Genetics
Classification: Uncertain significance for Cardiovascular phenotype. Last evaluated: 2021-10-21. Review status: criteria provided, single submitter. Criteria: Ambry Variant Classification Scheme 2023. Collection method: clinical testing. Allele origin: germline.
Comment: The p.G523S variant (also known as c.1567G>A), located in coding exon 9 of the CYP27A1 gene, results from a G to A substitution at nucleotide position 1567. The glycine at codon 523 is replaced by serine, an amino acid with similar properties. This amino acid position is conserved. In addition, this alteration is predicted to be tolerated by in silico analysis. Since supporting evidence is limited at this time, the clinical significance of this alteration remains unclear.